The following is an entry in ClinVar:

ClinVar aggregate classification (germline): Uncertain significance (1 of 4 stars; one submission).

Conditions:
Nephrolithiasis/nephrocalcinosis. Identifiers: MedGen CN580796.

Allele frequency attached by ClinVar (database versions not stated): gnomAD exomes below 0.00001.
gnomAD v4.1: 2 of 1,614,186 alleles (0.00012%); highest among the groups gnomAD compares: South Asian, 0.0022%; no homozygotes.

Submission:

Ambry Genetics
Classification: Uncertain significance for Nephrolithiasis/nephrocalcinosis. Last evaluated: 2021-10-20. Review status: criteria provided, single submitter. Criteria: Ambry Variant Classification Scheme 2023. Collection method: clinical testing. Allele origin: germline.
Comment: The p.R990K variant (also known as c.2969G>A), located in coding exon 6 of the CASR gene, results from a G to A substitution at nucleotide position 2969. The arginine at codon 990 is replaced by lysine, an amino acid with highly similar properties. This amino acid position is conserved. In addition, this alteration is predicted to be tolerated by in silico analysis. Since supporting evidence is limited at this time, the clinical significance of this alteration remains unclear.

NM_000388.4(CASR):c.2969G>A (p.Arg990Lys)

Gene: CASR (calcium sensing receptor; plus strand). Cytogenetic location: 3q21.1.
Variant type: single nucleotide variant.
Coding change: c.2969G>A on transcript NM_000388.4 (MANE Select); coding-DNA position 2969, G replaced by A.
Protein change: p.Arg990Lys; replaces arginine 990 with lysine.
Molecular consequence: missense variant.
Genome position (GRCh38, 1-based): chr3:122,284,923, G>A. VCF-style: chr3-122284923-G-A. GRCh37 (hg19) VCF-style: chr3-122003770-G-A.
Other names: c.2999G>A, p.Arg1000Lys (NM_001178065.2); short protein forms R1000K, R990K.
Identifiers: ClinVar variation 1798252 (VCV001798252.2), dbSNP rs1460157833, ClinGen allele CA354161167.
Genomic context (GRCh38, chr3:122,284,923, plus strand): 5'-GCGGCACGGTCACCTTCTCACTGAGCTTTGATGAGCCTCAGAAGAACGCCATGGCCCACA[G>A]GAATTCTACGCACCAGAACTCCCTGGAGGCCCAGAAAAGCAGCGATACGCTGACCCGACA-3'
Protein context (NP_000379.3, residues 980-1000): DEPQKNAMAH[Arg990Lys]NSTHQNSLEA